The following is an entry in ClinVar:

ClinVar aggregate classification (germline): Pathogenic (1 of 4 stars; one submission).

Conditions:
Inborn genetic diseases. Identifiers: MedGen C0950123, MeSH D030342.

Submission:

Ambry Genetics
Classification: Pathogenic for Inborn genetic diseases. Last evaluated: 2022-03-24. Review status: criteria provided, single submitter. Criteria: Ambry Variant Classification Scheme 2023. Collection method: clinical testing. Allele origin: germline.
Comment: The c.4341_4344delTCAG (p.S1447Rfs*9) alteration, located in exon 21 (coding exon 20) of the SPTBN1 gene, consists of a deletion of 4 nucleotides from position 4341 to 4344, causing a translational frameshift with a predicted alternate stop codon after 9 amino acids. This alteration is expected to result in loss of function by premature protein truncation or nonsense-mediated mRNA decay. This variant was not reported in population-based cohorts in the Genome Aggregation Database (gnomAD). Based on the available evidence, this alteration is classified as pathogenic.

NM_003128.3(SPTBN1):c.4341_4344del (p.Ser1447fs)

Gene: SPTBN1 (spectrin beta, non-erythrocytic 1; plus strand). Cytogenetic location: 2p16.2.
Variant type: Deletion.
Coding change: c.4341_4344del on transcript NM_003128.3 (MANE Select); coding-DNA positions 4341 to 4344, 4 bases deleted (TCAG; older notation c.4341_4344delTCAG).
Protein change: p.Ser1447fs; shifts the reading frame from serine 1447.
Molecular consequence: frameshift variant.
Genome position (GRCh38, 1-based): chr2:54,645,300-54,645,303, TCAG deleted; deleting any 4 consecutive bases within chr2:54,645,298-54,645,303 gives the same sequence; the c. name uses the placement nearest the transcript's 3' end. VCF-style (leftmost placement, unchanged base first): chr2-54645297-GAGTC-G. GRCh37 (hg19) VCF-style: chr2-54872434-GAGTC-G.
Other names: c.4302_4305del, p.Ser1434fs (NM_178313.3); short protein forms S1434fs, S1447fs.
Identifiers: ClinVar variation 2406676 (VCV002406676.2), dbSNP rs2549555343, ClinGen allele CA2580067305.